The following is an entry in ClinVar:

NM_001042492.3(NF1):c.370T>G (p.Cys124Gly)

Gene: NF1 (neurofibromin 1; plus strand). Cytogenetic location: 17q11.2.
Variant type: single nucleotide variant.
Coding change: c.370T>G on transcript NM_001042492.3 (MANE Select); coding-DNA position 370, T replaced by G.
Protein change: p.Cys124Gly; replaces cysteine 124 with glycine.
Molecular consequence: missense variant.
Genome position (GRCh38, 1-based): chr17:31,163,267, T>G. VCF-style: chr17-31163267-T-G. GRCh37 (hg19) VCF-style: chr17-29490285-T-G.
Other names: c.370T>G, p.Cys124Gly (NM_000267.4, NM_001128147.3); short protein forms C124G.
Identifiers: ClinVar variation 3237746 (VCV003237746.1), dbSNP rs1555606074.

ClinVar aggregate classification (germline): Uncertain significance (1 of 4 stars; one submission).

Conditions:
Hereditary cancer-predisposing syndrome. Also called: Neoplastic Syndromes, Hereditary; Tumor predisposition; Hereditary neoplastic syndrome; Hereditary Cancer Syndrome. Identifiers: Orphanet 140162, MedGen C0027672, MeSH D009386, MONDO:0015356.
Cardiovascular phenotype. Identifiers: MedGen CN230736.

Submission:

Ambry Genetics
Classification: Uncertain significance for Cardiovascular phenotype; Hereditary cancer-predisposing syndrome. Last evaluated: 2023-07-27. Review status: criteria provided, single submitter. Criteria: Ambry Variant Classification Scheme 2023. Collection method: clinical testing. Allele origin: germline.
Comment: The p.C124G variant (also known as c.370T>G), located in coding exon 4 of the NF1 gene, results from a T to G substitution at nucleotide position 370. The cysteine at codon 124 is replaced by glycine, an amino acid with highly dissimilar properties. This amino acid position is conserved. In addition, the in silico prediction for this alteration is inconclusive. Since supporting evidence is limited at this time, the clinical significance of this alteration remains unclear.